The following is an entry in ClinVar:

NM_000090.4(COL3A1):c.3363+3A>C

Gene: COL3A1 (collagen type III alpha 1 chain; plus strand). Cytogenetic location: 2q32.2.
Variant type: single nucleotide variant.
Coding change: c.3363+3A>C on transcript NM_000090.4 (MANE Select); 3 bases into the intron after coding-DNA position 3363, A replaced by C.
Molecular consequence: intron variant.
Genome position (GRCh38, 1-based): chr2:189,007,610, A>C. VCF-style: chr2-189007610-A-C. GRCh37 (hg19) VCF-style: chr2-189872336-A-C.
Identifiers: ClinVar variation 4005352 (VCV004005352.1).

ClinVar aggregate classification (germline): Uncertain significance (1 of 4 stars; one submission).

Conditions:
Familial thoracic aortic aneurysm and aortic dissection (TAAD). Also called: Thoracic aortic aneurysms and dissections. Identifiers: Orphanet 91387, MedGen C4707243, MONDO:0019625.

Submission:

Ambry Genetics
Classification: Uncertain significance for Familial thoracic aortic aneurysm and aortic dissection. Last evaluated: 2025-05-18. Review status: criteria provided, single submitter. Criteria: Ambry Variant Classification Scheme 2023. Collection method: clinical testing. Allele origin: germline.
Comment: The c.3363+3A>C intronic variant results from an A to C substitution 3 nucleotides after coding exon 45 in the COL3A1 gene. This nucleotide position is well conserved in available vertebrate species. In silico splice site analysis predicts that this alteration will weaken the native splice donor site and will result in the creation or strengthening of a novel splice donor site. Based on the available evidence, the clinical significance of this variant remains unclear.